The following is an entry in ClinVar:

ClinVar aggregate classification (germline): Uncertain significance. Review status: criteria provided, multiple submitters, no conflicts (2 of 4 stars). 2 submissions from 2 submitters: Uncertain significance (2). Last evaluated 2024-09-03.

Conditions:
Hearing impairment. Also called: Impaired Hearing. Identifiers: MedGen C1384666, MONDO:0005365, HP:0000365.

Allele frequency attached by ClinVar (database versions not stated): gnomAD 0.00001 and 0.00002; gnomAD exomes 0.00001 and 0.00005; TOPMed 0.00003; ExAC 0.00007; 1000 Genomes Project 30x 0.00016; 1000 Genomes Project 0.00020.
gnomAD v4.1: 22 of 1,546,742 alleles (0.0014%); highest among the groups gnomAD compares: South Asian, 0.015%; no homozygotes.

Submissions (2):

Labcorp Genetics (formerly Invitae), Labcorp
Classification: Uncertain significance. Last evaluated: 2024-09-03. Review status: criteria provided, single submitter. Criteria: Invitae Variant Classification Sherloc (09022015). Collection method: clinical testing. Allele origin: germline.
Comment: This sequence change replaces arginine, which is basic and polar, with tryptophan, which is neutral and slightly polar, at codon 654 of the PDZD7 protein (p.Arg654Trp). This variant is present in population databases (rs573956926, gnomAD 0.03%). This variant has not been reported in the literature in individuals affected with PDZD7-related conditions. ClinVar contains an entry for this variant (Variation ID: 959201). Invitae Evidence Modeling of protein sequence and biophysical properties (such as structural, functional, and spatial information, amino acid conservation, physicochemical variation, residue mobility, and thermodynamic stability) indicates that this missense variant is not expected to disrupt PDZD7 protein function with a negative predictive value of 80%. In summary, the available evidence is currently insufficient to determine the role of this variant in disease. Therefore, it has been classified as a Variant of Uncertain Significance.

Department of Otolaryngology – Head & Neck Surgery, Cochlear Implant Center
Classification: Uncertain significance for Hearing impairment. Last evaluated: 2021-04-12. Review status: criteria provided, single submitter. Criteria: ClinGen HL ACMG Specifications v1. Collection method: clinical testing. Allele origin: germline. Affected: yes.
Comment: PM2_Moderate, BP4_Supporting

NM_001195263.2(PDZD7):c.1960C>T (p.Arg654Trp)

Gene: PDZD7 (PDZ domain containing 7; minus strand). Cytogenetic location: 10q24.31.
Variant type: single nucleotide variant.
Coding change: c.1960C>T on transcript NM_001195263.2 (MANE Select); coding-DNA position 1960, C replaced by T.
Protein change: p.Arg654Trp; replaces arginine 654 with tryptophan.
Molecular consequence: missense variant.
Genome position (GRCh38, 1-based): chr10:101,011,735, G>A on the plus strand (C>T on the coding strand, the complement: PDZD7 is on the minus strand). VCF-style: chr10-101011735-G-A. GRCh37 (hg19) VCF-style: chr10-102771492-G-A.
Other names: short protein forms R654W.
Identifiers: ClinVar variation 959201 (VCV000959201.10), dbSNP rs573956926, ClinGen allele CA5654010.